The following is an entry in ClinVar:

NM_002185.5(IL7R):c.515A>G (p.Glu172Gly)

Gene: IL7R (interleukin 7 receptor; plus strand). Cytogenetic location: 5p13.2.
Variant type: single nucleotide variant.
Coding change: c.515A>G on transcript NM_002185.5 (MANE Select); coding-DNA position 515, A replaced by G.
Protein change: p.Glu172Gly; replaces glutamic acid 172 with glycine.
Molecular consequence: missense variant. On other transcripts: non-coding transcript variant (1).
Genome position (GRCh38, 1-based): chr5:35,871,191, A>G. VCF-style: chr5-35871191-A-G. GRCh37 (hg19) VCF-style: chr5-35871293-A-G.
Other names: short protein forms E172G.
Identifiers: ClinVar variation 1378964 (VCV001378964.6), dbSNP rs199654814, ClinGen allele CA3231991.

ClinVar aggregate classification (germline): Uncertain significance (1 of 4 stars; one submission).

Conditions:
Immunodeficiency 104. Also called: SCID, AUTOSOMAL RECESSIVE, T CELL-NEGATIVE, B CELL-POSITIVE, NK CELL-POSITIVE; Severe Combined Immune Deficiency, Autosomal Recessive, TCell -Negative, B Cell-Positive, NK Cell-Positive, IL7R-Related; IMMUNODEFICIENCY 104, SEVERE COMBINED; Severe combined immunodeficiency, autosomal recessive, T cell-negative, B cell-positive, NK cell-positive. Identifiers: MedGen C5676890, MONDO:0012163, OMIM 608971.

Allele frequency attached by ClinVar (database versions not stated): TOPMed below 0.00001; gnomAD 0.00001; gnomAD exomes 0.00001 and 0.00002; ExAC 0.00003.
gnomAD v4.1: 13 of 1,611,918 alleles (0.00081%); highest among the groups gnomAD compares: Middle Eastern, 0.017%; no homozygotes.

Submission:

Labcorp Genetics (formerly Invitae), Labcorp
Classification: Uncertain significance for Immunodeficiency 104. Last evaluated: 2025-09-06. Review status: criteria provided, single submitter. Criteria: Invitae Variant Classification Sherloc (09022015). Collection method: clinical testing. Allele origin: germline.
Comment: This sequence change replaces glutamic acid, which is acidic and polar, with glycine, which is neutral and non-polar, at codon 172 of the IL7R protein (p.Glu172Gly). This variant is present in population databases (rs199654814, gnomAD 0.01%). This variant has not been reported in the literature in individuals affected with IL7R-related conditions. ClinVar contains an entry for this variant (Variation ID: 1378964). Invitae Evidence Modeling of protein sequence and biophysical properties (such as structural, functional, and spatial information, amino acid conservation, physicochemical variation, residue mobility, and thermodynamic stability) indicates that this missense variant is not expected to disrupt IL7R protein function with a negative predictive value of 95%. In summary, the available evidence is currently insufficient to determine the role of this variant in disease. Therefore, it has been classified as a Variant of Uncertain Significance.